The following is an entry in ClinVar:

ClinVar aggregate classification (germline): Likely pathogenic (0 of 4 stars; one submission).

Conditions:
Colorectal cancer. Also called: Colorectal cancer, somatic; Malignant Colorectal Neoplasm. Identifiers: MedGen C0346629, MONDO:0005575, OMIM 114500.

Submission:

Division of Gastroenterology and Hepatology, Shanghai Institute of Digestive Disease, Shanghai Jiao Tong University School of Medicine.
Classification: Likely pathogenic for Colorectal cancer. Last evaluated: 2021-07-19. Review status: no assertion criteria provided. Collection method: research. Allele origin: germline. Inheritance: Autosomal dominant inheritance. Affected: yes. Observed: 1 variant allele, 1 heterozygote.
Comment: The Ile427fs variant in RMI1 has been reported in 1 Chinese family with autosomal dominant predisposition in familial colorectal cancer (CRC).

NM_001358291.2(RMI1):c.1284_1288del (p.Lys428fs)

Gene: RMI1 (RecQ mediated genome instability 1; plus strand). Cytogenetic location: 9q21.32.
Variant type: Deletion.
Coding change: c.1284_1288del on transcript NM_001358291.2 (MANE Select); coding-DNA positions 1284 to 1288, 5 bases deleted (ACAAA; older notation c.1284_1288delACAAA).
Protein change: p.Lys428fs; shifts the reading frame from lysine 428.
Molecular consequence: frameshift variant.
Genome position (GRCh38, 1-based): chr9:84,002,270-84,002,274, ACAAA deleted; deleting any 5 consecutive bases within chr9:84,002,267-84,002,274 gives the same sequence; the c. name uses the placement nearest the transcript's 3' end. VCF-style (leftmost placement, unchanged base first): chr9-84002266-TAAAAC-T. GRCh37 (hg19) VCF-style: chr9-86617181-TAAAAC-T.
Other names: c.1284_1288del, p.Lys428fs (NM_001358292.2, NM_001358293.2, NM_001358294.2 and 1 more transcripts); short protein forms K428fs.
Identifiers: ClinVar variation 1183963 (VCV001183963.3), dbSNP rs764792608, ClinGen allele CA5104570.